The following is an entry in ClinVar:

NM_000417.3(IL2RA):c.718C>G (p.Gln240Glu)

Gene: IL2RA (interleukin 2 receptor subunit alpha; minus strand). Cytogenetic location: 10p15.1.
Variant type: single nucleotide variant.
Coding change: c.718C>G on transcript NM_000417.3 (MANE Select); coding-DNA position 718, C replaced by G.
Protein change: p.Gln240Glu; replaces glutamine 240 with glutamic acid.
Molecular consequence: missense variant.
Genome position (GRCh38, 1-based): chr10:6,019,437, G>C on the plus strand (C>G on the coding strand, the complement: IL2RA is on the minus strand). VCF-style: chr10-6019437-G-C. GRCh37 (hg19) VCF-style: chr10-6061400-G-C.
Other names: c.502C>G, p.Gln168Glu (NM_001308242.2); c.430C>G, p.Gln144Glu (NM_001308243.2); short protein forms Q168E, Q144E, Q240E.
Identifiers: ClinVar variation 3689996 (VCV003689996.2).

ClinVar aggregate classification (germline): Uncertain significance (1 of 4 stars; one submission).

Conditions:
Immunodeficiency due to CD25 deficiency. Also called: IL2RA DEFICIENCY; IMMUNODEFICIENCY 41 WITH LYMPHOPROLIFERATION AND AUTOIMMUNITY; CD25 DEFICIENCY. Identifiers: Orphanet 169100, MedGen C1853392, MONDO:0011664, OMIM 606367.

gnomAD v4.1: 1 of 1,611,520 alleles (0.000062%); no homozygotes.

Submission:

Labcorp Genetics (formerly Invitae), Labcorp
Classification: Uncertain significance for Immunodeficiency due to CD25 deficiency. Last evaluated: 2024-08-09. Review status: criteria provided, single submitter. Criteria: Invitae Variant Classification Sherloc (09022015). Collection method: clinical testing. Allele origin: germline.
Comment: This sequence change replaces glutamine, which is neutral and polar, with glutamic acid, which is acidic and polar, at codon 240 of the IL2RA protein (p.Gln240Glu). This variant is not present in population databases (gnomAD no frequency). This variant has not been reported in the literature in individuals affected with IL2RA-related conditions. Advanced modeling of protein sequence and biophysical properties (such as structural, functional, and spatial information, amino acid conservation, physicochemical variation, residue mobility, and thermodynamic stability) performed at Invitae indicates that this missense variant is not expected to disrupt IL2RA protein function with a negative predictive value of 80%. In summary, the available evidence is currently insufficient to determine the role of this variant in disease. Therefore, it has been classified as a Variant of Uncertain Significance.